The following is an entry in ClinVar:

NM_004064.5(CDKN1B):c.416A>T (p.Asp139Val)

Gene: CDKN1B (cyclin dependent kinase inhibitor 1B; plus strand). Cytogenetic location: 12p13.1.
Variant type: single nucleotide variant.
Coding change: c.416A>T on transcript NM_004064.5 (MANE Select); coding-DNA position 416, A replaced by T.
Protein change: p.Asp139Val; replaces aspartic acid 139 with valine.
Molecular consequence: missense variant.
Genome position (GRCh38, 1-based): chr12:12,718,255, A>T. VCF-style: chr12-12718255-A-T. GRCh37 (hg19) VCF-style: chr12-12871189-A-T.
Other names: c.416A>T (NM_004064.3); short protein forms D139V.
Identifiers: ClinVar variation 2430971 (VCV002430971.6), dbSNP rs2136356480, ClinGen allele CA383970682.

ClinVar aggregate classification (germline): Uncertain significance. Review status: criteria provided, multiple submitters, no conflicts (2 of 4 stars). 3 submissions from 3 submitters: Uncertain significance (3). Last evaluated 2025-09-30.

Conditions:
Hereditary cancer-predisposing syndrome. Also called: Neoplastic Syndromes, Hereditary; Tumor predisposition; Hereditary neoplastic syndrome; Hereditary Cancer Syndrome. Identifiers: Orphanet 140162, MedGen C0027672, MeSH D009386, MONDO:0015356.
Multiple endocrine neoplasia type 4. Also called: MULTIPLE ENDOCRINE NEOPLASIA, TYPE IV. Identifiers: Orphanet 276152, MedGen C1970712, MONDO:0012552, OMIM 610755.

Allele frequency attached by ClinVar (database versions not stated): gnomAD exomes below 0.00001.

Submissions (3):

Labcorp Genetics (formerly Invitae), Labcorp
Classification: Uncertain significance for Multiple endocrine neoplasia type 4. Last evaluated: 2025-09-30. Review status: criteria provided, single submitter. Criteria: Invitae Variant Classification Sherloc (09022015). Collection method: clinical testing. Allele origin: germline.
Comment: This sequence change replaces aspartic acid, which is acidic and polar, with valine, which is neutral and non-polar, at codon 139 of the CDKN1B protein (p.Asp139Val). This variant is not present in population databases (gnomAD no frequency). This variant has not been reported in the literature in individuals affected with CDKN1B-related conditions. ClinVar contains an entry for this variant (Variation ID: 2430971). An algorithm developed to predict the effect of missense changes on protein structure and function (PolyPhen-2) suggests that this variant is likely to be tolerated. In summary, the available evidence is currently insufficient to determine the role of this variant in disease. Therefore, it has been classified as a Variant of Uncertain Significance.

Ambry Genetics
Classification: Uncertain significance for Hereditary cancer-predisposing syndrome. Last evaluated: 2024-02-11. Review status: criteria provided, single submitter. Criteria: Ambry Variant Classification Scheme 2023. Collection method: clinical testing. Allele origin: germline.
Comment: The p.D139V variant (also known as c.416A>T), located in coding exon 1 of the CDKN1B gene, results from an A to T substitution at nucleotide position 416. The aspartic acid at codon 139 is replaced by valine, an amino acid with highly dissimilar properties. This amino acid position is conserved. In addition, this alteration is predicted to be tolerated by in silico analysis. Based on the available evidence, the clinical significance of this alteration remains unclear.

GeneDx
Classification: Uncertain significance. Last evaluated: 2023-06-06. Review status: criteria provided, single submitter. Criteria: GeneDx Variant Classification Process June 2021. Collection method: clinical testing. Allele origin: germline.
Comment: Not observed at significant frequency in large population cohorts (gnomAD); In silico analysis supports that this missense variant does not alter protein structure/function; Has not been previously published as pathogenic or benign to our knowledge